The following is an entry in ClinVar:

NM_004229.4(MED14):c.2099C>T (p.Ala700Val)

Gene: MED14 (mediator complex subunit 14; minus strand). Cytogenetic location: Xp11.4.
Variant type: single nucleotide variant.
Coding change: c.2099C>T on transcript NM_004229.4 (MANE Select); coding-DNA position 2099, C replaced by T.
Protein change: p.Ala700Val; replaces alanine 700 with valine.
Molecular consequence: missense variant.
Genome position (GRCh38, 1-based): chrX:40,682,955, G>A on the plus strand (C>T on the coding strand, the complement: MED14 is on the minus strand). VCF-style: chrX-40682955-G-A. GRCh37 (hg19) VCF-style: chrX-40542207-G-A.
Other names: short protein forms A700V.
Identifiers: ClinVar variation 4891179 (VCV004891179.1).

ClinVar aggregate classification (germline): Uncertain significance (1 of 4 stars; one submission).

Submission:

Greenwood Genetic Center Diagnostic Laboratories, Greenwood Genetic Center
Classification: Uncertain significance. Last evaluated: 2026-06-24. Review status: criteria provided, single submitter. Criteria: ACMG Guidelines, 2015. Collection method: clinical testing. Allele origin: germline.
Comment: Gene of Uncertain Significance